The following is an entry in ClinVar:

NM_001848.3(COL6A1):c.3016G>A (p.Val1006Ile)

Gene: COL6A1 (collagen type VI alpha 1 chain; plus strand). Cytogenetic location: 21q22.3.
Variant type: single nucleotide variant.
Coding change: c.3016G>A on transcript NM_001848.3 (MANE Select); coding-DNA position 3016, G replaced by A.
Protein change: p.Val1006Ile; replaces valine 1006 with isoleucine.
Molecular consequence: missense variant.
Genome position (GRCh38, 1-based): chr21:46,003,942, G>A. VCF-style: chr21-46003942-G-A. GRCh37 (hg19) VCF-style: chr21-47423856-G-A.
Other names: short protein forms V1006I.
Identifiers: ClinVar variation 2126107 (VCV002126107.4), dbSNP rs2526355688, ClinGen allele CA410541874.

ClinVar aggregate classification (germline): Uncertain significance (1 of 4 stars; one submission).

Conditions:
Bethlem myopathy 1A. Also called: MYOPATHY, BENIGN CONGENITAL, WITH CONTRACTURES; Bethlem myopathy 1; Bethlem Muscular Dystrophy. Identifiers: Orphanet 610, MedGen CN029274, MONDO:0024530, OMIM 158810.

Submission:

Labcorp Genetics (formerly Invitae), Labcorp
Classification: Uncertain significance for Bethlem myopathy 1A. Last evaluated: 2022-05-27. Review status: criteria provided, single submitter. Criteria: Invitae Variant Classification Sherloc (09022015). Collection method: clinical testing. Allele origin: germline.
Comment: Advanced modeling of protein sequence and biophysical properties (such as structural, functional, and spatial information, amino acid conservation, physicochemical variation, residue mobility, and thermodynamic stability) performed at Invitae indicates that this missense variant is not expected to disrupt COL6A1 protein function. This variant has not been reported in the literature in individuals affected with COL6A1-related conditions. This variant is not present in population databases (gnomAD no frequency). This sequence change replaces valine, which is neutral and non-polar, with isoleucine, which is neutral and non-polar, at codon 1006 of the COL6A1 protein (p.Val1006Ile). In summary, the available evidence is currently insufficient to determine the role of this variant in disease. Therefore, it has been classified as a Variant of Uncertain Significance.